The following is an entry in ClinVar:

NM_001077418.3(TMEM231):c.673G>A (p.Val225Ile)

Gene: TMEM231 (transmembrane protein 231; minus strand). Cytogenetic location: 16q23.1.
Variant type: single nucleotide variant.
Coding change: c.673G>A on transcript NM_001077418.3 (MANE Select); coding-DNA position 673, G replaced by A.
Protein change: p.Val225Ile; replaces valine 225 with isoleucine.
Molecular consequence: missense variant. On other transcripts: non-coding transcript variant (1).
Genome position (GRCh38, 1-based): chr16:75,541,447, C>T on the plus strand (G>A on the coding strand, the complement: TMEM231 is on the minus strand). VCF-style: chr16-75541447-C-T. GRCh37 (hg19) VCF-style: chr16-75575345-C-T.
Other names: c.832G>A, p.Val278Ile (NM_001077416.2); short protein forms V225I, V278I.
Identifiers: ClinVar variation 1306945 (VCV001306945.8), dbSNP rs746055228, ClinGen allele CA8176074.

ClinVar aggregate classification (germline): Uncertain significance. Review status: criteria provided, multiple submitters, no conflicts (2 of 4 stars). 2 submissions from 2 submitters: Uncertain significance (2). Last evaluated 2024-10-03.

Conditions:
Joubert syndrome 20 (JBTS20). Identifiers: Orphanet 475, MedGen C3554235, MONDO:0013994, OMIM 614970.
Meckel syndrome, type 11 (MKS11). Identifiers: Orphanet 564, MedGen C3809352, MONDO:0014164, OMIM 615397.

Allele frequency attached by ClinVar (database versions not stated): gnomAD 0.00001 and 0.00003; ExAC 0.00005; gnomAD exomes 0.00005.
gnomAD v4.1: 55 of 1,605,388 alleles (0.0034%); highest among the groups gnomAD compares: East Asian, 0.065%; 1 homozygote.

Submissions (2):

Labcorp Genetics (formerly Invitae), Labcorp
Classification: Uncertain significance for Joubert syndrome 20; Meckel syndrome, type 11. Last evaluated: 2024-10-03. Review status: criteria provided, single submitter. Criteria: Invitae Variant Classification Sherloc (09022015). Collection method: clinical testing. Allele origin: germline.
Comment: This sequence change replaces valine, which is neutral and non-polar, with isoleucine, which is neutral and non-polar, at codon 278 of the TMEM231 protein (p.Val278Ile). This variant is present in population databases (rs746055228, gnomAD 0.02%). This variant has not been reported in the literature in individuals affected with TMEM231-related conditions. ClinVar contains an entry for this variant (Variation ID: 1306945). An algorithm developed to predict the effect of missense changes on protein structure and function outputs the following: PolyPhen-2: "Not Available". The isoleucine amino acid residue is found in multiple mammalian species, which suggests that this missense change does not adversely affect protein function. In summary, the available evidence is currently insufficient to determine the role of this variant in disease. Therefore, it has been classified as a Variant of Uncertain Significance.

GeneDx
Classification: Uncertain significance. Last evaluated: 2019-07-08. Review status: criteria provided, single submitter. Criteria: GeneDx Variant Classification Process June 2021. Collection method: clinical testing. Allele origin: germline. Affected: yes.
Comment: In silico analysis, which includes protein predictors and evolutionary conservation, supports that this variant does not alter protein structure/function; Has not been previously published as pathogenic or benign to our knowledge